The following is an entry in ClinVar:

ClinVar aggregate classification (germline): Uncertain significance (1 of 4 stars; one submission).

Allele frequency attached by ClinVar (database versions not stated): gnomAD exomes 0.00002; ExAC 0.00003.

Submission:

Labcorp Genetics (formerly Invitae), Labcorp
Classification: Uncertain significance. Last evaluated: 2026-01-25. Review status: criteria provided, single submitter. Criteria: Invitae Variant Classification Sherloc (09022015). Collection method: clinical testing. Allele origin: germline.
Comment: This sequence change replaces arginine, which is basic and polar, with tryptophan, which is neutral and slightly polar, at codon 194 of the ICOSLG protein (p.Arg194Trp). This variant is present in population databases (rs764295138, gnomAD 0.005%). This variant has not been reported in the literature in individuals affected with ICOSLG-related conditions. ClinVar contains an entry for this variant (Variation ID: 1397255). An algorithm developed to predict the effect of missense changes on protein structure and function (PolyPhen-2) suggests that this variant is likely to be tolerated. In summary, the available evidence is currently insufficient to determine the role of this variant in disease. Therefore, it has been classified as a Variant of Uncertain Significance.

NM_015259.6(ICOSLG):c.580C>T (p.Arg194Trp)

Gene: ICOSLG (inducible T cell costimulator ligand; minus strand). Cytogenetic location: 21q22.3.
Variant type: single nucleotide variant.
Coding change: c.580C>T on transcript NM_015259.6 (MANE Select); coding-DNA position 580, C replaced by T.
Protein change: p.Arg194Trp; replaces arginine 194 with tryptophan.
Molecular consequence: missense variant.
Genome position (GRCh38, 1-based): chr21:44,235,389, G>A on the plus strand (C>T on the coding strand, the complement: ICOSLG is on the minus strand). VCF-style: chr21-44235389-G-A. GRCh37 (hg19) VCF-style: chr21-45655272-G-A.
Other names: c.580C>T, p.Arg194Trp (NM_001283050.2); c.229C>T, p.Arg77Trp (NM_001283051.2); c.325C>T, p.Arg109Trp (NM_001283052.2); c.499C>T, p.Arg167Trp (NM_001365759.2); short protein forms R109W, R77W, R167W, R194W.
Identifiers: ClinVar variation 1397255 (VCV001397255.9), dbSNP rs764295138, ClinGen allele CA321497159.
Genomic context (GRCh38, chr21:44,235,389, plus strand): 5'-CAATGTTCACGCTGGGGGTCCGTGCGATCCTCAGCACGCTGACCACGTCATACAAGCCCC[G>A]CATGTTCAAGAAGACGGTGTCATTCTGCAGAGCCTGGTCCAGCAGGCTGTTGTCCGTCTT-3'
Protein context (NP_056074.1, residues 184-204): LQNDTVFLNM[Arg194Trp]GLYDVVSVLR